The following is an entry in ClinVar:

ClinVar aggregate classification (germline): Uncertain significance (1 of 4 stars; one submission).

Conditions:
TWIST1-related craniosynostosis (CRS1). Also called: CRANIOSYNOSTOSIS 1. Identifiers: Orphanet 63440, MedGen C4551902, MONDO:0007399, OMIM 123100. Inheritance: Heterogenous inheritance pattern.
Saethre-Chotzen syndrome (SCS). Also called: ACROCEPHALY, SKULL ASYMMETRY, AND MILD SYNDACTYLY; ACS III; CHOTZEN SYNDROME. Identifiers: Orphanet 794, MedGen C0175699, MONDO:0007042, OMIM 101400.

Submission:

Labcorp Genetics (formerly Invitae), Labcorp
Classification: Uncertain significance for TWIST1-related craniosynostosis; Saethre-Chotzen syndrome. Last evaluated: 2020-05-21. Review status: criteria provided, single submitter. Criteria: Invitae Variant Classification Sherloc (09022015). Collection method: clinical testing. Allele origin: germline.
Comment: In summary, the available evidence is currently insufficient to determine the role of this variant in disease. Therefore, it has been classified as a Variant of Uncertain Significance. This variant results in an extension of the TWIST1 protein. Other variant(s) that result in a similarly extended protein product (p.Val162Alafs*68) have been observed in individuals with TWIST1-related conditions (PMID: 11748846). This suggests that these extensions may be clinically significant. Algorithms developed to predict the effect of sequence changes on RNA splicing suggest that this variant may create or strengthen a splice site, but this prediction has not been confirmed by published transcriptional studies. This variant has not been reported in the literature in individuals with TWIST1-related conditions. This variant is not present in population databases (ExAC no frequency). This sequence change results in a frameshift in the TWIST1 gene (p.Val162Serfs*69). While this is not anticipated to result in nonsense mediated decay, it is expected to disrupt the last 41 amino acids of the TWIST1 protein and extend the protein by an additional 27 amino acids.

Literature cited by the submitters: PubMed 11748846.

NM_000474.4(TWIST1):c.484del (p.Val162fs)

Genes: TWIST1 (twist family bHLH transcription factor 1; minus strand), LOC129998021 (ATAC-STARR-seq lymphoblastoid active region 25682; plus strand). Cytogenetic location: 7p21.1.
Variant type: Deletion.
Coding change: c.484del on transcript NM_000474.4 (MANE Select); coding-DNA position 484, one base deleted (G; older notation c.484delG).
Protein change: p.Val162fs; shifts the reading frame from valine 162.
Molecular consequence: frameshift variant. On other transcripts: non-coding transcript variant (1).
Genome position (GRCh38, 1-based): chr7:19,116,838, C deleted on the plus strand (G on the coding strand, the reverse complement: TWIST1 is on the minus strand); the first of 2 consecutive C bases (chr7:19,116,838-19,116,839); deleting either gives the same sequence. VCF-style (leftmost placement, unchanged base first): chr7-19116837-AC-A. GRCh37 (hg19) VCF-style: chr7-19156460-AC-A.
Other names: short protein forms V162fs.
Identifiers: ClinVar variation 1040207 (VCV001040207.9), dbSNP rs1788579060, ClinGen allele CA1692250354.